The following is an entry in ClinVar:

ClinVar aggregate classification (germline): Pathogenic (1 of 4 stars; one submission).

Allele frequency attached by ClinVar (database versions not stated): gnomAD exomes below 0.00001; gnomAD 0.00001; ExAC 0.00002; 1000 Genomes Project 30x 0.00016; 1000 Genomes Project 0.00020.
gnomAD v4.1: 2 of 1,592,282 alleles (0.00013%); highest among the groups gnomAD compares: South Asian, 0.0022%; no homozygotes.

Submission:

Labcorp Genetics (formerly Invitae), Labcorp
Classification: Pathogenic. Last evaluated: 2023-12-26. Review status: criteria provided, single submitter. Criteria: Invitae Variant Classification Sherloc (09022015). Collection method: clinical testing. Allele origin: germline.
Comment: This sequence change creates a premature translational stop signal (p.Glu119*) in the FGF3 gene. While this is not anticipated to result in nonsense mediated decay, it is expected to disrupt the last 121 amino acid(s) of the FGF3 protein. This variant is present in population databases (rs546096461, gnomAD 0.007%). This variant has not been reported in the literature in individuals affected with FGF3-related conditions. This variant disrupts a region of the FGF3 protein in which other variant(s) (p.Ser156Pro) have been determined to be pathogenic (PMID: 17236138). This suggests that this is a clinically significant region of the protein, and that variants that disrupt it are likely to be disease-causing. For these reasons, this variant has been classified as Pathogenic.

Literature cited by the submitters: PubMed 17236138.

NM_005247.4(FGF3):c.355G>T (p.Glu119Ter)

Gene: FGF3 (fibroblast growth factor 3; minus strand). Cytogenetic location: 11q13.3.
Variant type: single nucleotide variant.
Coding change: c.355G>T on transcript NM_005247.4 (MANE Select); coding-DNA position 355, G replaced by T.
Protein change: p.Glu119Ter; replaces glutamic acid 119 with a stop codon.
Molecular consequence: nonsense.
Genome position (GRCh38, 1-based): chr11:69,810,670, C>A on the plus strand (G>T on the coding strand, the complement: FGF3 is on the minus strand). VCF-style: chr11-69810670-C-A. GRCh37 (hg19) VCF-style: chr11-69625438-C-A.
Other names: short protein forms E119*.
Identifiers: ClinVar variation 2844855 (VCV002844855.3), dbSNP rs546096461, ClinGen allele CA6157091.
Genomic context (GRCh38, chr11:69,810,670, plus strand): 5'-TAGACACCGTCCGGTACAGCCGGGAGGCATACGTATTATAGCCCAGCTCGTGGATCCGCT[C>A]CACAAACTCGCACTCGGCGCTGTAGTGCTCCTGCGGGGATGAGATATCATGGTCAGTGCC-3'